The following is an entry in ClinVar:

ClinVar aggregate classification (germline): Uncertain significance (1 of 4 stars; one submission).

Submission:

Labcorp Genetics (formerly Invitae), Labcorp
Classification: Uncertain significance. Last evaluated: 2022-09-02. Review status: criteria provided, single submitter. Criteria: Invitae Variant Classification Sherloc (09022015). Collection method: clinical testing. Allele origin: germline.
Comment: In summary, the available evidence is currently insufficient to determine the role of this variant in disease. Therefore, it has been classified as a Variant of Uncertain Significance. Algorithms developed to predict the effect of missense changes on protein structure and function are either unavailable or do not agree on the potential impact of this missense change (SIFT: "Deleterious"; PolyPhen-2: "Benign"; Align-GVGD: "Class C0"). This variant has not been reported in the literature in individuals affected with FUK-related conditions. This variant is not present in population databases (gnomAD no frequency). This sequence change replaces threonine, which is neutral and polar, with lysine, which is basic and polar, at codon 589 of the FUK protein (p.Thr589Lys).

NM_145059.3(FCSK):c.1766C>A (p.Thr589Lys)

Gene: FCSK (fucose kinase; plus strand). Cytogenetic location: 16q22.1.
Variant type: single nucleotide variant.
Coding change: c.1766C>A on transcript NM_145059.3 (MANE Select); coding-DNA position 1766, C replaced by A.
Protein change: p.Thr589Lys; replaces threonine 589 with lysine.
Molecular consequence: missense variant.
Genome position (GRCh38, 1-based): chr16:70,473,342, C>A. VCF-style: chr16-70473342-C-A. GRCh37 (hg19) VCF-style: chr16-70507245-C-A.
Other names: short protein forms T589K.
Identifiers: ClinVar variation 2024790 (VCV002024790.4), dbSNP rs1180383871, ClinGen allele CA396571053.
Genomic context (GRCh38, chr16:70,473,342, plus strand): 5'-GCCTGCGCCCGCTGATCTGGGCTGCTGTCCGCGAGGGCTGCCCCGGGCCCCTGCTGGCCA[C>A]GCTGGACCAGGGTGAGTGTGCAGGCTGGTAGTGCTGCAGAATCAGGCCAGGGGCACCTGC-3'
Protein context (NP_659496.2, residues 579-599): REGCPGPLLA[Thr589Lys]LDQVAAGAGD